The following is an entry in ClinVar:

NM_000261.2(MYOC):c.1130C>T (p.Thr377Met)

Gene: MYOC (myocilin; minus strand). Cytogenetic location: 1q24.3.
Variant type: single nucleotide variant.
Coding change: c.1130C>T on transcript NM_000261.2 (MANE Select); coding-DNA position 1130, C replaced by T.
Protein change: p.Thr377Met; replaces threonine 377 with methionine.
Molecular consequence: missense variant.
Genome position (GRCh38, 1-based): chr1:171,636,310, G>A on the plus strand (C>T on the coding strand, the complement: MYOC is on the minus strand). VCF-style: chr1-171636310-G-A. GRCh37 (hg19) VCF-style: chr1-171605450-G-A.
Other names: NM_000261.2:c.1130C>T; c.1130C>T (NM_000261.1); short protein forms T377M.
Identifiers: ClinVar variation 1342202 (VCV001342202.10), dbSNP rs566289099, ClinGen allele CA1244075.
Genomic context (GRCh38, chr1:171,636,310, plus strand): 5'-GCCTCATCGGTGCTGTAAATGACCCAGAGGCCTGCTTCATCCACAGCCAAGTCAATGTCC[G>A]TGTAGCCACCCCAAGAATACGGGAACTGTCCGTGGTAGCCAGCTCCAGGGATTTCCTTCT-3'
Protein context (NP_000252.1, residues 367-387): GQFPYSWGGY[Thr377Met]DIDLAVDEAG

ClinVar aggregate classification (germline): Pathogenic. Review status: reviewed by expert panel (3 of 4 stars). 4 submissions from 4 submitters: Pathogenic (1). 3 of the submissions do not count toward it. Last evaluated 2026-01-20.

Conditions:
MYOC-related disorder. Also called: MYOC-related disorders; MYOC-related condition. Identifiers: MedGen CN239330.
Open-angle glaucoma. Identifiers: MedGen C0017612, MONDO:0005338, HP:0012108.
Glaucoma 1, open angle, A (GLC1A). Also called: Glaucoma, Dominant (Juvenile Onset). Identifiers: Orphanet 98977, MedGen C1842028, MONDO:0007664, OMIM 137750.

Allele frequency attached by ClinVar (database versions not stated): gnomAD exomes 0.00001 and 0.00002; TOPMed 0.00002; ExAC 0.00003; gnomAD 0.00004; 1000 Genomes Project 30x 0.00016.
gnomAD v4.1: 19 of 1,614,006 alleles (0.0012%); highest among the groups gnomAD compares: African/African-American, 0.0027%; no homozygotes.

Submissions (4):

ClinGen Glaucoma Variant Curation Expert Panel
Classification: Pathogenic for Open-angle glaucoma. Last evaluated: 2026-01-20. Review status: reviewed by expert panel. Criteria: ClinGen Glaucoma ACMG Specifications V2.0.0 Approved. Collection method: curation. Allele origin: germline. Inheritance: Autosomal dominant inheritance.
Comment: The c.1130C>T variant in MYOC is a missense variant predicted to cause substitution of Threonine by Methionine at amino acid 377 (p.Thr377Met). The highest minor allele frequency of this variant was in the African/African American genetic ancestry group of gnomAD (v4.1.0) = 0.00002668 (2 alleles out of 74,972), which met the ≤ 0.0001 threshold set for PM2_Supporting in a genetic ancestry group of at least 10,000 alleles. The REVEL score = 0.924, which was within the 0.773-0.931 range for PP3_Moderate, predicting a damaging effect on MYOC function. The Thr377Met protein had increased instability levels compared to wild type myocilin protein in these studies (PMIDs: 21612213, 23129764). The assays met the OddsPath threshold for PS3_Moderate (> 4.3) indicating that this variant did impact protein function. The assays reporting solubility and secretion evidence (PMIDs: 11004290, 10545602, 16297911, 16466712) indicated that this variant may impact protein solubility and secretion, however, as the results were conflicting and inconclusive, this evidence was not included. 47 segregations in 6 families, with juvenile or primary open angle glaucoma (JOAG or POAG), have been reported (PMIDs: 20390039, 11004290, 28564705, 15823921, 12912696), which fulfilled PP1_Strong (≥7 meioses in >1 family). There were more family studies published than presented here. 15 probands with JOAG or POAG have been reported carrying this variant (PMIDs: 28564705, 22933836, 11004290, 12868033, 20390039, 14627955, 10196380, 15823921, 12912696), which met PS4 (≥ 15 probands). There were more probands published than presented here. Another missense variant (c.1130C>A, p.Thr377Lys, Grantham score = 78, ClinVar ID: 2500837) at the same codon has been classified as likely pathogenic for juvenile open angle glaucoma by the ClinGen Glaucoma VCEP. The c.1130C>T, p.Thr377Met variant has a higher Grantham score (= 81) than the previously classified amino acid change, was not predicted to affect splicing as assessed with SpliceAI (≤ 0.2), and met PP3, meeting the conditions for PM5_Supporting to apply. In summary, this variant met the criteria to receive a score of 14 and to be classified as pathogenic (pathogenic classification ≥ 10, adapted from PMID: 32720330) for juvenile open angle glaucoma based on the ACMG/AMP criteria met, as specified by the ClinGen Glaucoma VCEP (v2.0.0, 5 Dec 2024): PS4, PP1_Strong, PS3_Moderate, PP3_Moderate, PM2_Supporting, PM5_Supporting

GeneDx
Classification: Pathogenic. Last evaluated: 2025-08-13. Review status: criteria provided, single submitter. Criteria: GeneDx Variant Classification Process June 2021. Collection method: clinical testing. Allele origin: germline. Not counted in ClinVar's aggregate classification.
Comment: In silico analysis supports that this missense variant has a deleterious effect on protein structure/function; This variant is associated with the following publications: (PMID: 20107173, 23304066, 28564705, 28282485, 18449353, 34082484, 36217948, 35567543, 9792882, 10196380, 9535666, 14627955, 11004290, 12912696, 12868033, 16431959, 35014583, 33421356, 20390039, 15823921, 36267417, 22933836, 17417609, 18952665, 36579626, 37032519, 38465142, 10545602, 15226659, 10610189, 9804137, 16466712, 16297911, 23129764, 25524706, 24367514, 12782842, 17210861)

Laboratory of Medical Genetics, National & Kapodistrian University of Athens
Classification: Pathogenic for Glaucoma 1, open angle, A. Last evaluated: 2023-01-31. Review status: criteria provided, single submitter. Criteria: ACMG Guidelines, 2015. Collection method: clinical testing. Allele origin: germline. Affected: yes. Not counted in ClinVar's aggregate classification.
Comment: PS4, PM2, PM5, PP3, PP5

Blueprint Genetics
Classification: Pathogenic for MYOC-related disorders. Last evaluated: 2022-12-01. Review status: criteria provided, single submitter. Criteria: ACMG Guidelines, 2015. Collection method: clinical testing. Allele origin: germline. Affected: yes. Observed: 2 variant alleles. Not counted in ClinVar's aggregate classification.

Literature cited by the submitters: PubMed 11004290 (cited by ClinGen Glaucoma Variant Curation Expert Panel); PubMed 21612213 (cited by ClinGen Glaucoma Variant Curation Expert Panel); PubMed 10545602 (cited by ClinGen Glaucoma Variant Curation Expert Panel); PubMed 23129764 (cited by ClinGen Glaucoma Variant Curation Expert Panel); PubMed 25524706 (cited by ClinGen Glaucoma Variant Curation Expert Panel).